The following is an entry in ClinVar:

ClinVar aggregate classification (germline): Likely benign (1 of 4 stars; one submission).

Submission:

CeGaT Center for Human Genetics Tuebingen
Classification: Likely benign. Last evaluated: 2026-07-01. Review status: criteria provided, single submitter. Criteria: CeGaT Center For Human Genetics Tuebingen Variant Classification Criteria Version 2. Collection method: clinical testing. Allele origin: germline. Affected: yes. Observed: 13 variant alleles.
Comment: GNAS: BS1

NM_080425.4(GNAS):c.2069-5657_2069-5646del

Gene: GNAS (GNAS complex locus; plus strand). Cytogenetic location: 20q13.32.
Variant type: Deletion.
Coding change: c.2069-5657_2069-5646del on transcript NM_080425.4 (MANE Plus Clinical); 5657 bases into the intron before coding-DNA position 2069 through 5646 bases into the intron before coding-DNA position 2069, 12 bases deleted (GGTGGCTGCCGA).
Molecular consequence: intron variant.
Genome position (GRCh38, 1-based): chr20:58,889,955-58,889,966, GGTGGCTGCCGA deleted; deleting any 12 consecutive bases within chr20:58,889,946-58,889,966 gives the same sequence; the c. name uses the placement nearest the transcript's 3' end. VCF-style (leftmost placement, unchanged base first): chr20-58889945-CGGCTGCCGAGGT-C. GRCh37 (hg19) VCF-style: chr20-57465000-CGGCTGCCGAGGT-C.
Other names: c.*43-5657_*43-5646del (NM_016592.5); c.44-5657_44-5646del (NM_001410912.1); c.-38-5657_-38-5646del (NM_001309861.2); c.*1-5657_*1-5646del (NM_001077490.3); c.2069-5657_2069-5646del (NM_001410913.1); c.*159-5657_*159-5646del (NM_001309883.1); c.-39+602_-39+613del (NM_001438273.1, NM_001309840.2); c.-39+623_-39+634del (NM_001439291.1, NM_001438274.1).
Identifiers: ClinVar variation 2652440 (VCV002652440.22), dbSNP rs896874083, ClinGen allele CA316318484.